The following is an entry in ClinVar:

ClinVar aggregate classification (germline): Conflicting classifications of pathogenicity. Review status: criteria provided, conflicting classifications (1 of 4 stars). 5 submissions from 5 submitters: Uncertain significance (1); Likely benign (4). Last evaluated 2025-04-30.

Conditions:
Dilated cardiomyopathy 1G (CMD1G). Identifiers: Orphanet 154, MedGen C1858763, MONDO:0011400, OMIM 604145.
Autosomal recessive limb-girdle muscular dystrophy type 2J (LGMDR10). Also called: MUSCULAR DYSTROPHY, LIMB-GIRDLE, AUTOSOMAL RECESSIVE 10; Limb-girdle muscular dystrophy, type 2J. Identifiers: Orphanet 140922, MedGen C1837342, MONDO:0012127, OMIM 608807.
Cardiovascular phenotype. Identifiers: MedGen CN230736.

Allele frequency attached by ClinVar (database versions not stated): ExAC 0.00001; TOPMed 0.00001; gnomAD 0.00002; gnomAD exomes 0.00002 and 0.00003; ESP Exome Variant Server 0.00008.
gnomAD v4.1: 44 of 1,612,178 alleles (0.0027%); highest among the groups gnomAD compares: Non-Finnish European, 0.0033%; no homozygotes.

Submissions (5):

Labcorp Genetics (formerly Invitae), Labcorp
Classification: Likely benign for Dilated cardiomyopathy 1G; Autosomal recessive limb-girdle muscular dystrophy type 2J. Last evaluated: 2025-04-30. Review status: criteria provided, single submitter. Criteria: Invitae Variant Classification Sherloc (09022015). Collection method: clinical testing. Allele origin: germline.

Blueprint Genetics
Classification: Likely benign. Last evaluated: 2024-10-11. Review status: criteria provided, single submitter. Criteria: ACMG Guidelines, 2015. Collection method: clinical testing. Allele origin: germline.

CeGaT Center for Human Genetics Tuebingen
Classification: Likely benign. Last evaluated: 2024-02-01. Review status: criteria provided, single submitter. Criteria: CeGaT Center For Human Genetics Tuebingen Variant Classification Criteria Version 2. Collection method: clinical testing. Allele origin: germline. Affected: yes. Observed: 1 variant allele.
Comment: TTN: BP4, BP7

Revvity Omics, Revvity
Classification: Uncertain significance. Last evaluated: 2022-09-15. Review status: criteria provided, single submitter. Criteria: ACMG Guidelines, 2015. Collection method: clinical testing. Allele origin: germline.

Ambry Genetics
Classification: Likely benign for Cardiovascular phenotype. Last evaluated: 2022-03-12. Review status: criteria provided, single submitter. Criteria: Ambry Variant Classification Scheme 2023. Collection method: clinical testing. Allele origin: germline.

NM_001267550.2(TTN):c.40989T>C (p.Ser13663=)

Gene: TTN (titin; minus strand). Cytogenetic location: 2q31.2.
Variant type: single nucleotide variant.
Coding change: c.40989T>C on transcript NM_001267550.2 (MANE Select); coding-DNA position 40989, T replaced by C.
Protein change: p.Ser13663=; no amino-acid change (serine 13663 retained).
Molecular consequence: synonymous variant.
Genome position (GRCh38, 1-based): chr2:178,636,738, A>G on the plus strand (T>C on the coding strand, the complement: TTN is on the minus strand). VCF-style: chr2-178636738-A-G. GRCh37 (hg19) VCF-style: chr2-179501465-A-G.
Other names: c.36066T>C, p.Ser12022= (NM_001256850.1); c.13794T>C, p.Ser4598= (NM_003319.4); c.33285T>C, p.Ser11095= (NM_133378.4); c.14169T>C, p.Ser4723= (NM_133432.3); c.14370T>C, p.Ser4790= (NM_133437.4).
Identifiers: ClinVar variation 1150027 (VCV001150027.36), dbSNP rs369178648, ClinGen allele CA1996328.